The following is an entry in ClinVar:

NM_032638.5(GATA2):c.220C>T (p.Pro74Ser)

Gene: GATA2 (GATA binding protein 2; minus strand). Cytogenetic location: 3q21.3.
Variant type: single nucleotide variant.
Coding change: c.220C>T on transcript NM_032638.5 (MANE Select); coding-DNA position 220, C replaced by T.
Protein change: p.Pro74Ser; replaces proline 74 with serine.
Molecular consequence: missense variant.
Genome position (GRCh38, 1-based): chr3:128,486,812, G>A on the plus strand (C>T on the coding strand, the complement: GATA2 is on the minus strand). VCF-style: chr3-128486812-G-A. GRCh37 (hg19) VCF-style: chr3-128205655-G-A.
Other names: c.220C>T, p.Pro74Ser (NM_001145661.2, NM_001145662.1); short protein forms P74S.
Identifiers: ClinVar variation 4871668 (VCV004871668.1).

ClinVar aggregate classification (germline): Uncertain significance (1 of 4 stars; one submission).

Conditions:
Inborn genetic diseases. Identifiers: MedGen C0950123, MeSH D030342.

Submission:

Ambry Genetics
Classification: Uncertain significance for Inborn genetic diseases. Last evaluated: 2026-05-15. Review status: criteria provided, single submitter. Criteria: Ambry Variant Classification Scheme 2023. Collection method: clinical testing. Allele origin: germline.
Comment: The p.P74S variant (also known as c.220C>T), located in coding exon 1 of the GATA2 gene, results from a C to T substitution at nucleotide position 220. The proline at codon 74 is replaced by serine, an amino acid with similar properties. This amino acid position is not well conserved in available vertebrate species. In addition, the in silico prediction for this alteration is inconclusive. Based on the available evidence, the clinical significance of this variant remains unclear.